The following is an entry in ClinVar:

NM_001040108.2(MLH3):c.359T>C (p.Phe120Ser)

Gene: MLH3 (mutL homolog 3; minus strand). Cytogenetic location: 14q24.3.
Variant type: single nucleotide variant.
Coding change: c.359T>C on transcript NM_001040108.2 (MANE Select); coding-DNA position 359, T replaced by C.
Protein change: p.Phe120Ser; replaces phenylalanine 120 with serine.
Molecular consequence: missense variant.
Genome position (GRCh38, 1-based): chr14:75,049,297, A>G on the plus strand (T>C on the coding strand, the complement: MLH3 is on the minus strand). VCF-style: chr14-75049297-A-G. GRCh37 (hg19) VCF-style: chr14-75516000-A-G.
Other names: c.359T>C, p.Phe120Ser (NM_014381.3); short protein forms F120S.
Identifiers: ClinVar variation 416448 (VCV000416448.20), dbSNP rs28756979, ClinGen allele CA7276046.

ClinVar aggregate classification (germline): Conflicting classifications of pathogenicity. Review status: criteria provided, conflicting classifications (1 of 4 stars). 7 submissions from 7 submitters: Uncertain significance (2); Likely benign (4). 1 of the submissions does not count toward it. Last evaluated 2026-01-19.

Conditions:
Colorectal cancer, hereditary nonpolyposis, type 7. Identifiers: Orphanet 144, MedGen C1858380, MONDO:0013725, OMIM 614385.
Endometrial carcinoma. Also called: Endometrial carcinoma, somatic. Identifiers: MedGen C0476089, MONDO:0002447, OMIM 608089, HP:0012114.
Colorectal cancer. Also called: Colorectal cancer, somatic; Malignant Colorectal Neoplasm. Identifiers: MedGen C0346629, MONDO:0005575, OMIM 114500.
MLH3-related disorder. Also called: MLH3-related condition.

Allele frequency attached by ClinVar (database versions not stated): gnomAD exomes 0.00014 and 0.00026; ExAC 0.00026; gnomAD 0.00113 and 0.00120; 1000 Genomes Project 0.00120; TOPMed 0.00128; ESP Exome Variant Server 0.00131; 1000 Genomes Project 30x 0.00156.
gnomAD v4.1: 372 of 1,614,228 alleles (0.023%); highest among the groups gnomAD compares: African/African-American, 0.44%; no homozygotes.

Submissions (7):

Labcorp Genetics (formerly Invitae), Labcorp
Classification: Likely benign for Colorectal cancer, hereditary nonpolyposis, type 7. Last evaluated: 2026-01-19. Review status: criteria provided, single submitter. Criteria: Invitae Variant Classification Sherloc (09022015). Collection method: clinical testing. Allele origin: germline.

Center for Genomic Medicine, Rigshospitalet, Copenhagen University Hospital
Classification: Uncertain significance. Last evaluated: 2025-03-04. Review status: criteria provided, single submitter. Criteria: ACMG Guidelines, 2015. Collection method: clinical testing. Allele origin: germline.
Comment: Classification criteria: PP3_supporting

Blueprint Genetics
Classification: Likely benign. Last evaluated: 2024-10-11. Review status: criteria provided, single submitter. Criteria: ACMG Guidelines, 2015. Collection method: clinical testing. Allele origin: germline.

ARUP Laboratories, Molecular Genetics and Genomics, ARUP Laboratories
Classification: Likely benign. Last evaluated: 2023-11-22. Review status: criteria provided, single submitter. Criteria: ARUP Molecular Germline Variant Investigation Process 2024. Collection method: clinical testing. Allele origin: germline.

Department of Pathology and Laboratory Medicine, Sinai Health System
Classification: Uncertain significance for Colorectal cancer; Endometrial carcinoma; Colorectal cancer, hereditary nonpolyposis, type 7. Last evaluated: 2023-09-06. Review status: criteria provided, single submitter. Criteria: ACMG Guidelines, 2015. Collection method: clinical testing. Allele origin: germline. Affected: yes.

Ambry Genetics
Classification: Likely benign. Last evaluated: 2022-08-31. Review status: criteria provided, single submitter. Criteria: Ambry Variant Classification Scheme 2023. Collection method: clinical testing. Allele origin: germline.

PreventionGenetics, part of Exact Sciences
Classification: Likely benign for MLH3-related condition. Last evaluated: 2019-10-14. Review status: no assertion criteria provided. Collection method: clinical testing. Allele origin: germline. Not counted in ClinVar's aggregate classification.
Comment: This variant is classified as likely benign based on ACMG/AMP sequence variant interpretation guidelines (Richards et al. 2015 PMID: 25741868, with internal and published modifications).

Literature cited by the submitters: PubMed 26542077 (cited by Department of Pathology and Laboratory Medicine, Sinai Health System).